The following is an entry in ClinVar:

NM_000138.5(FBN1):c.7252dup (p.Cys2418fs)

Gene: FBN1 (fibrillin 1; minus strand). Cytogenetic location: 15q21.1.
Variant type: Duplication.
Coding change: c.7252dup on transcript NM_000138.5 (MANE Select); coding-DNA position 7252, one base duplicated (T; older notation c.7252dupT).
Protein change: p.Cys2418fs; shifts the reading frame from cysteine 2418.
Molecular consequence: frameshift variant.
Genome position (GRCh38, 1-based): chr15:48,425,817, A duplicated on the plus strand (T on the coding strand, the reverse complement: FBN1 is on the minus strand). VCF-style (leftmost placement, unchanged base first): chr15-48425816-C-CA. GRCh37 (hg19) VCF-style: chr15-48718013-C-CA.
Other names: c.7252dup, p.Cys2418Leufs (NM_001406716.1); short protein forms C2418fs.
Identifiers: ClinVar variation 2431029 (VCV002431029.2), dbSNP rs2505408183, ClinGen allele CA2580089633.
Genomic context (GRCh38, chr15:48,425,816, plus strand): 5'-GTTATATCTGGAGTGTACCCAGTTTTACAAATGCAATGATATGATCCTCTGTCATTGACA[C>CA]ATTCCCCATTTCGGCAAACATCGTGAATAACCTTGCATTCATCGATATCTGTAATTTAAC-3'

ClinVar aggregate classification (germline): Pathogenic (1 of 4 stars; one submission).

Submission:

GeneDx
Classification: Pathogenic. Last evaluated: 2023-09-29. Review status: criteria provided, single submitter. Criteria: GeneDx Variant Classification Process June 2021. Collection method: clinical testing. Allele origin: germline.
Comment: Frameshift variant predicted to result in protein truncation or nonsense mediated decay in a gene for which loss of function is a known mechanism of disease; Not observed at significant frequency in large population cohorts (gnomAD); Has not been previously published as pathogenic or benign to our knowledge